The following is an entry in ClinVar:

NM_003072.5(SMARCA4):c.4280G>A (p.Ser1427Asn)

Gene: SMARCA4 (SWI/SNF related BAF chromatin remodeling complex subunit ATPase 4; plus strand). Cytogenetic location: 19p13.2.
Variant type: single nucleotide variant.
Coding change: c.4280G>A on transcript NM_003072.5 (MANE Select); coding-DNA position 4280, G replaced by A.
Protein change: p.Ser1427Asn; replaces serine 1427 with asparagine.
Molecular consequence: missense variant. On other transcripts: non-coding transcript variant (1).
Genome position (GRCh38, 1-based): chr19:11,041,416, G>A. VCF-style: chr19-11041416-G-A. GRCh37 (hg19) VCF-style: chr19-11152092-G-A.
Other names: c.4280G>A, p.Ser1427Asn (NM_001128844.3); c.4190G>A, p.Ser1397Asn (NM_001128845.2, NM_001128846.2); c.4181G>A, p.Ser1394Asn (NM_001128847.4, NM_001128848.2, NM_001374457.1); c.4376G>A, p.Ser1459Asn (NM_001128849.3); short protein forms S1394N, S1397N, S1427N, S1459N.
Identifiers: ClinVar variation 824842 (VCV000824842.10), dbSNP rs1600467547, ClinGen allele CA404073535.

ClinVar aggregate classification (germline): Conflicting classifications of pathogenicity. Review status: criteria provided, conflicting classifications (1 of 4 stars). 2 submissions from 2 submitters: Uncertain significance (1); Likely benign (1). Last evaluated 2025-10-23.

Conditions:
Hereditary cancer-predisposing syndrome. Also called: Neoplastic Syndromes, Hereditary; Tumor predisposition; Hereditary neoplastic syndrome; Hereditary Cancer Syndrome. Identifiers: Orphanet 140162, MedGen C0027672, MeSH D009386, MONDO:0015356.
Rhabdoid tumor predisposition syndrome 2 (RTPS2). Identifiers: Orphanet 231108, Orphanet 69077, MedGen C2750074, MONDO:0013224, OMIM 613325.

Submissions (2):

Labcorp Genetics (formerly Invitae), Labcorp
Classification: Uncertain significance for Rhabdoid tumor predisposition syndrome 2. Last evaluated: 2025-10-23. Review status: criteria provided, single submitter. Criteria: Invitae Variant Classification Sherloc (09022015). Collection method: clinical testing. Allele origin: germline.
Comment: This sequence change replaces serine, which is neutral and polar, with asparagine, which is neutral and polar, at codon 1459 of the SMARCA4 protein (p.Ser1459Asn). This variant is not present in population databases (gnomAD no frequency). This variant has not been reported in the literature in individuals affected with SMARCA4-related conditions. ClinVar contains an entry for this variant (Variation ID: 824842). An algorithm developed to predict the effect of missense changes on protein structure and function (PolyPhen-2) suggests that this variant is likely to be tolerated. In summary, the available evidence is currently insufficient to determine the role of this variant in disease. Therefore, it has been classified as a Variant of Uncertain Significance.

Ambry Genetics
Classification: Likely benign for Hereditary cancer-predisposing syndrome. Last evaluated: 2023-09-26. Review status: criteria provided, single submitter. Criteria: Ambry Variant Classification Scheme 2023. Collection method: clinical testing. Allele origin: germline.